The following is an entry in ClinVar:

ClinVar aggregate classification (germline): Uncertain significance. Review status: criteria provided, multiple submitters, no conflicts (2 of 4 stars). 2 submissions from 2 submitters: Uncertain significance (2). Last evaluated 2022-10-17.

Conditions:
Inborn genetic diseases. Identifiers: MedGen C0950123, MeSH D030342.

Allele frequency attached by ClinVar (database versions not stated): TOPMed 0.00003; gnomAD 0.00004 and 0.00006; gnomAD exomes 0.00013 and 0.00018; ExAC 0.00021.
gnomAD v4.1: 216 of 1,613,908 alleles (0.013%); highest among the groups gnomAD compares: Middle Eastern, 0.12%; 1 homozygote.

Submissions (2):

Labcorp Genetics (formerly Invitae), Labcorp
Classification: Uncertain significance. Last evaluated: 2022-10-17. Review status: criteria provided, single submitter. Criteria: Invitae Variant Classification Sherloc (09022015). Collection method: clinical testing. Allele origin: germline.
Comment: This sequence change replaces arginine, which is basic and polar, with glutamine, which is neutral and polar, at codon 473 of the FTO protein (p.Arg473Gln). This variant is present in population databases (rs777486753, gnomAD 0.08%). This variant has not been reported in the literature in individuals affected with FTO-related conditions. ClinVar contains an entry for this variant (Variation ID: 1512522). Algorithms developed to predict the effect of missense changes on protein structure and function output the following: SIFT: "Tolerated"; PolyPhen-2: "Benign"; Align-GVGD: "Class C0". The glutamine amino acid residue is found in multiple mammalian species, which suggests that this missense change does not adversely affect protein function. In summary, the available evidence is currently insufficient to determine the role of this variant in disease. Therefore, it has been classified as a Variant of Uncertain Significance.

Ambry Genetics
Classification: Uncertain significance for Inborn genetic diseases. Last evaluated: 2021-04-15. Review status: criteria provided, single submitter. Criteria: Ambry Variant Classification Scheme 2023. Collection method: clinical testing. Allele origin: germline.

NM_001080432.3(FTO):c.1418G>A (p.Arg473Gln)

Gene: FTO (FTO alpha-ketoglutarate dependent dioxygenase; plus strand). Cytogenetic location: 16q12.2.
Variant type: single nucleotide variant.
Coding change: c.1418G>A on transcript NM_001080432.3 (MANE Select); coding-DNA position 1418, G replaced by A.
Protein change: p.Arg473Gln; replaces arginine 473 with glutamine.
Molecular consequence: missense variant.
Genome position (GRCh38, 1-based): chr16:54,111,815, G>A. VCF-style: chr16-54111815-G-A. GRCh37 (hg19) VCF-style: chr16-54145727-G-A.
Other names: c.1448G>A, p.Arg483Gln (NM_001363891.2); c.1481G>A, p.Arg494Gln (NM_001363894.2); c.1400G>A, p.Arg467Gln (NM_001363896.2); c.1340G>A, p.Arg447Gln (NM_001363897.2); c.1304G>A, p.Arg435Gln (NM_001363898.2, NM_001363899.2); c.1274G>A, p.Arg425Gln (NM_001363900.2, NM_001363901.2); c.*18G>A (NM_001363903.2); c.905G>A, p.Arg302Gln (NM_001363905.2); and 1 more; short protein forms R435Q, R494Q, R302Q, R425Q, R483Q, R447Q, R467Q, R473Q.
Identifiers: ClinVar variation 1512522 (VCV001512522.4), dbSNP rs777486753, ClinGen allele CA8058632.